The following is an entry in ClinVar:

NM_000135.4(FANCA):c.4341C>G (p.Asp1447Glu)

Genes: FANCA (FA complementation group A; minus strand), ZNF276 (zinc finger protein 276; plus strand). Cytogenetic location: 16q24.3.
Variant type: single nucleotide variant.
Coding change: c.4341C>G on transcript NM_000135.4 (MANE Select); coding-DNA position 4341, C replaced by G.
Protein change: p.Asp1447Glu; replaces aspartic acid 1447 with glutamic acid.
Molecular consequence: missense variant. On other transcripts: 3 prime UTR variant (3), non-coding transcript variant (4).
Genome position (GRCh38, 1-based): chr16:89,738,628, G>C on the plus strand (C>G on the coding strand, the complement: FANCA is on the minus strand). VCF-style: chr16-89738628-G-C. GRCh37 (hg19) VCF-style: chr16-89805036-G-C.
Other names: c.*70C>G (NM_001286167.3); c.*382G>C (NM_001113525.2, NM_152287.4); short protein forms D1447E.
Identifiers: ClinVar variation 4619208 (VCV004619208.1).

ClinVar aggregate classification (germline): Uncertain significance (1 of 4 stars; one submission).

Conditions:
Inborn genetic diseases. Identifiers: MedGen C0950123, MeSH D030342.

Submission:

Ambry Genetics
Classification: Uncertain significance for Inborn genetic diseases. Last evaluated: 2025-10-17. Review status: criteria provided, single submitter. Criteria: Ambry Variant Classification Scheme 2023. Collection method: clinical testing. Allele origin: germline.
Comment: The p.D1447E variant (also known as c.4341C>G), located in coding exon 43 of the FANCA gene, results from a C to G substitution at nucleotide position 4341. The aspartic acid at codon 1447 is replaced by glutamic acid, an amino acid with highly similar properties. This amino acid position is conserved. In addition, this alteration is predicted to be tolerated by in silico analysis. Based on the available evidence, the clinical significance of this variant remains unclear.